The following is an entry in ClinVar:

ClinVar aggregate classification (germline): Uncertain significance. Review status: criteria provided, multiple submitters, no conflicts (2 of 4 stars). 2 submissions from 2 submitters: Uncertain significance (2). Last evaluated 2021-08-30.

Conditions:
Hereditary cancer-predisposing syndrome. Also called: Neoplastic Syndromes, Hereditary; Hereditary Cancer Syndrome; Tumor predisposition; Hereditary neoplastic syndrome. Identifiers: Orphanet 140162, MedGen C0027672, MeSH D009386, MONDO:0015356.
Gorlin syndrome. Also called: Basal cell nevus syndrome; Nevoid Basal Cell Carcinoma Syndrome. Identifiers: Orphanet 377, MedGen C0004779, MONDO:0007187.

Submissions (2):

Labcorp Genetics (formerly Invitae), Labcorp
Classification: Uncertain significance for Gorlin syndrome. Last evaluated: 2021-08-30. Review status: criteria provided, single submitter. Criteria: Invitae Variant Classification Sherloc (09022015). Collection method: clinical testing. Allele origin: germline.

Ambry Genetics
Classification: Uncertain significance for Hereditary cancer-predisposing syndrome. Last evaluated: 2020-09-17. Review status: criteria provided, single submitter. Criteria: Ambry Variant Classification Scheme 2023. Collection method: clinical testing. Allele origin: germline.
Comment: The p.G214V variant (also known as c.641G>T), located in coding exon 4 of the PTCH1 gene, results from a G to T substitution at nucleotide position 641. The glycine at codon 214 is replaced by valine, an amino acid with dissimilar properties. This amino acid position is well conserved in available vertebrate species. In addition, the in silico prediction for this alteration is inconclusive. Since supporting evidence is limited at this time, the clinical significance of this alteration remains unclear.

NM_000264.5(PTCH1):c.641G>T (p.Gly214Val)

Gene: PTCH1 (patched 1; minus strand). Cytogenetic location: 9q22.32.
Variant type: single nucleotide variant.
Coding change: c.641G>T on transcript NM_000264.5 (MANE Select); coding-DNA position 641, G replaced by T.
Protein change: p.Gly214Val; replaces glycine 214 with valine.
Molecular consequence: missense variant. On other transcripts: non-coding transcript variant (1).
Genome position (GRCh38, 1-based): chr9:95,482,147, C>A on the plus strand (G>T on the coding strand, the complement: PTCH1 is on the minus strand). VCF-style: chr9-95482147-C-A. GRCh37 (hg19) VCF-style: chr9-98244429-C-A.
Other names: c.638G>T, p.Gly213Val (NM_001083603.3); c.188G>T, p.Gly63Val (NM_001083604.3, NM_001083605.3, NM_001083606.3 and 1 more transcripts); c.641G>T, p.Gly214Val (NM_001354918.2); c.443G>T, p.Gly148Val (NM_001354919.2, NM_001083602.3); short protein forms G148V, G213V, G214V, G63V.
Identifiers: ClinVar variation 1517036 (VCV001517036.5), dbSNP rs2118472707, ClinGen allele CA374115037.